The following is an entry in ClinVar:

ClinVar aggregate classification (germline): Uncertain significance (1 of 4 stars; one submission).

Submission:

Labcorp Genetics (formerly Invitae), Labcorp
Classification: Uncertain significance. Last evaluated: 2021-09-01. Review status: criteria provided, single submitter. Criteria: Invitae Variant Classification Sherloc (09022015). Collection method: clinical testing. Allele origin: germline.
Comment: This sequence change replaces threonine with alanine at codon 615 of the FREM2 protein (p.Thr615Ala). The threonine residue is moderately conserved and there is a small physicochemical difference between threonine and alanine. This variant is not present in population databases (ExAC no frequency). This variant has not been reported in the literature in individuals affected with FREM2-related conditions. Algorithms developed to predict the effect of missense changes on protein structure and function output the following: SIFT: "Tolerated"; PolyPhen-2: "Benign"; Align-GVGD: "Class C0". The alanine amino acid residue is found in multiple mammalian species, which suggests that this missense change does not adversely affect protein function. Algorithms developed to predict the effect of sequence changes on RNA splicing suggest that this variant may create or strengthen a splice site. In summary, the available evidence is currently insufficient to determine the role of this variant in disease. Therefore, it has been classified as a Variant of Uncertain Significance.

NM_207361.6(FREM2):c.1843A>G (p.Thr615Ala)

Gene: FREM2 (FRAS1 related extracellular matrix 2; plus strand). Cytogenetic location: 13q13.3.
Variant type: single nucleotide variant.
Coding change: c.1843A>G on transcript NM_207361.6 (MANE Select); coding-DNA position 1843, A replaced by G.
Protein change: p.Thr615Ala; replaces threonine 615 with alanine.
Molecular consequence: missense variant.
Genome position (GRCh38, 1-based): chr13:38,689,187, A>G. VCF-style: chr13-38689187-A-G. GRCh37 (hg19) VCF-style: chr13-39263324-A-G.
Other names: short protein forms T615A.
Identifiers: ClinVar variation 1353663 (VCV001353663.5), dbSNP rs2138065634, ClinGen allele CA387887522.